The following is an entry in ClinVar:

ClinVar aggregate classification (germline): Uncertain significance (1 of 4 stars; one submission).

Conditions:
Renal cell carcinoma (RCCP1). Identifiers: Orphanet 217071, MedGen C0007134, MeSH D002292, MONDO:0005086, HP:0005584.

Submission:

Labcorp Genetics (formerly Invitae), Labcorp
Classification: Uncertain significance for Renal cell carcinoma. Last evaluated: 2023-09-22. Review status: criteria provided, single submitter. Criteria: Invitae Variant Classification Sherloc (09022015). Collection method: clinical testing. Allele origin: germline.
Comment: In summary, the available evidence is currently insufficient to determine the role of this variant in disease. Therefore, it has been classified as a Variant of Uncertain Significance. Experimental studies and prediction algorithms are not available or were not evaluated, and the functional significance of this variant is currently unknown. This variant has not been reported in the literature in individuals affected with MET-related conditions. This variant results in a copy number gain of the genomic region encompassing exon(s) 20-21 of the MET gene. This region includes the termination codon of the gene. This copy number gain extends beyond the assayed region for this gene and therefore may encompass additional genes. As the precise location of this event is unknown, it may be in tandem or it may be located elsewhere in the genome.

NC_000007.13:g.(?_116435699)_(116436178_?)dup

Gene: MET (MET proto-oncogene, receptor tyrosine kinase; plus strand). Cytogenetic location: 7q31.2.
Variant type: Duplication.
Identifiers: ClinVar variation 1040014 (VCV001040014.6).